The following is an entry in ClinVar:

NM_001267550.2(TTN):c.23371T>C (p.Phe7791Leu)

Gene: TTN (titin; minus strand). Cytogenetic location: 2q31.2.
Variant type: single nucleotide variant.
Coding change: c.23371T>C on transcript NM_001267550.2 (MANE Select); coding-DNA position 23371, T replaced by C.
Protein change: p.Phe7791Leu; replaces phenylalanine 7791 with leucine.
Molecular consequence: missense variant. On other transcripts: intron variant (3).
Genome position (GRCh38, 1-based): chr2:178,720,391, A>G on the plus strand (T>C on the coding strand, the complement: TTN is on the minus strand). VCF-style: chr2-178720391-A-G. GRCh37 (hg19) VCF-style: chr2-179585118-A-G.
Other names: c.22420T>C, p.Phe7474Leu (NM_001256850.1); c.13282+17691T>C (NM_003319.4); c.13858+17691T>C (NM_133437.4); c.13657+17691T>C (NM_133432.3); c.19639T>C, p.Phe6547Leu (NM_133378.4); short protein forms F6547L, F7791L, F7474L.
Identifiers: ClinVar variation 179676 (VCV000179676.5), dbSNP rs727505045, ClinGen allele CA184907.

ClinVar aggregate classification (germline): Uncertain significance (1 of 4 stars; one submission).

Allele frequency attached by ClinVar (database versions not stated): ExAC 0.00001; gnomAD exomes below 0.00001.
gnomAD v4.1: 2 of 1,611,254 alleles (0.00012%); highest among the groups gnomAD compares: East Asian, 0.0022%; no homozygotes.

Submission:

Laboratory for Molecular Medicine, Mass General Brigham Personalized Medicine
Classification: Uncertain significance. Last evaluated: 2014-03-18. Review status: criteria provided, single submitter. Criteria: LMM Criteria. Collection method: clinical testing. Allele origin: germline. Observed: 1 variant allele.
Comment: The Phe6547Leu variant in TTN has not been previously reported in individuals wi th cardiomyopathy or in large population studies. Computational prediction tool s and conservation analysis suggest that the Phe6547Leu variant may not impact t he protein, though this information is not predictive enough to rule out pathoge nicity. Additional information is needed to fully assess the clinical significan ce of the Phe6547Leu variant.